The following is an entry in ClinVar:

NM_000548.5(TSC2):c.2452A>G (p.Ile818Val)

Gene: TSC2 (TSC complex subunit 2; plus strand). Cytogenetic location: 16p13.3.
Variant type: single nucleotide variant.
Coding change: c.2452A>G on transcript NM_000548.5 (MANE Select); coding-DNA position 2452, A replaced by G.
Protein change: p.Ile818Val; replaces isoleucine 818 with valine.
Molecular consequence: missense variant.
Genome position (GRCh38, 1-based): chr16:2,074,296, A>G. VCF-style: chr16-2074296-A-G. GRCh37 (hg19) VCF-style: chr16-2124297-A-G.
Other names: c.2452A>G, p.Ile818Val (NM_001077183.3, NM_001114382.3, NM_001363528.2 and 3 more transcripts); c.2341A>G, p.Ile781Val (NM_001318827.2); c.2305A>G, p.Ile769Val (NM_001318829.2); c.1852A>G, p.Ile618Val (NM_001318831.2); c.2485A>G, p.Ile829Val (NM_001318832.2); short protein forms I818V, I618V, I769V, I781V, I829V.
Identifiers: ClinVar variation 661721 (VCV000661721.58), dbSNP rs1596356585, ClinGen allele CA394277470.

ClinVar aggregate classification (germline): Conflicting classifications of pathogenicity. Review status: criteria provided, conflicting classifications (1 of 4 stars). 8 submissions from 8 submitters: Uncertain significance (7); Likely benign (1). Last evaluated 2025-12-03.

Conditions:
Hereditary cancer-predisposing syndrome. Also called: Neoplastic Syndromes, Hereditary; Hereditary Cancer Syndrome; Tumor predisposition; Hereditary neoplastic syndrome. Identifiers: Orphanet 140162, MedGen C0027672, MeSH D009386, MONDO:0015356.
Isolated focal cortical dysplasia type II (FCORD2). Also called: Focal cortical dysplasia type II; CORTICAL DYSPLASIA OF TAYLOR. Identifiers: Orphanet 268994, MedGen C1846385, MONDO:0011818, OMIM 607341, HP:0032051.
Tuberous sclerosis 2 (TSC2). Identifiers: Orphanet 805, MedGen C1860707, MONDO:0013199, OMIM 613254.

Allele frequency attached by ClinVar (database versions not stated): gnomAD exomes below 0.00001.
gnomAD v4.1: 4 of 1,613,166 alleles (0.00025%); highest among the groups gnomAD compares: Non-Finnish European, 0.00034%; no homozygotes.

Submissions (8):

Labcorp Genetics (formerly Invitae), Labcorp
Classification: Uncertain significance for Tuberous sclerosis 2. Last evaluated: 2025-12-03. Review status: criteria provided, single submitter. Criteria: Invitae Variant Classification Sherloc (09022015). Collection method: clinical testing. Allele origin: germline.
Comment: This sequence change replaces isoleucine, which is neutral and non-polar, with valine, which is neutral and non-polar, at codon 818 of the TSC2 protein (p.Ile818Val). This variant is not present in population databases (gnomAD no frequency). This variant has not been reported in the literature in individuals affected with TSC2-related conditions. ClinVar contains an entry for this variant (Variation ID: 661721). Invitae Evidence Modeling of protein sequence and biophysical properties (such as structural, functional, and spatial information, amino acid conservation, physicochemical variation, residue mobility, and thermodynamic stability) indicates that this missense variant is not expected to disrupt TSC2 protein function with a negative predictive value of 95%. In summary, the available evidence is currently insufficient to determine the role of this variant in disease. Therefore, it has been classified as a Variant of Uncertain Significance.

Dasa
Classification: Uncertain significance for Tuberous sclerosis 2. Last evaluated: 2025-11-12. Review status: criteria provided, single submitter. Criteria: DASA Assertion Criteria. Collection method: clinical testing. Allele origin: germline.
Comment: NM_000548.5(TSC2):c.2452A>G (p.Ile818Val) is a missense variant that results in the substitution of isoleucine with valine. This variant is rare in population databases. The currently available literature and clinical evidence are not sufficient to establish a definitive association between this variant and the reported condition. Therefore, this variant is classified as a variant of uncertain significance.

Molecular Pathology, Peter Maccallum Cancer Centre
Classification: Uncertain significance for Tuberous sclerosis 2. Last evaluated: 2024-10-24. Review status: criteria provided, single submitter. Criteria: ACMG Guidelines, 2015. Collection method: clinical testing. Allele origin: germline. Inheritance: Autosomal dominant inheritance.

Baylor Genetics
Classification: Uncertain significance for Isolated focal cortical dysplasia type II. Last evaluated: 2024-01-31. Review status: criteria provided, single submitter. Criteria: ACMG Guidelines, 2015. Collection method: clinical testing. Allele origin: unknown.

Ambry Genetics
Classification: Likely benign for Hereditary cancer-predisposing syndrome. Last evaluated: 2023-08-07. Review status: criteria provided, single submitter. Criteria: Ambry Variant Classification Scheme 2023. Collection method: clinical testing. Allele origin: germline.

Genome-Nilou Lab
Classification: Uncertain significance for Tuberous sclerosis 2. Last evaluated: 2021-11-07. Review status: criteria provided, single submitter. Criteria: ACMG Guidelines, 2015. Collection method: clinical testing. Allele origin: germline. Affected: no.

Sema4
Classification: Uncertain significance for Hereditary cancer-predisposing syndrome. Last evaluated: 2021-07-16. Review status: criteria provided, single submitter. Criteria: Sema4 Curation Guidelines. Collection method: curation. Allele origin: germline.
Comment: The TSC2 c.2452A>G (p.I818V) variant has not been reported in the literature to our knowledge. It was not observed in the large and broad cohorts of the Genome Aggregation Database (PMID: 32461654). The variant has been reported in ClinVar (Variation ID 661721). Functional studies have not been performed and in silico tool predictions of the variant's effect on protein function are inconclusive. The evidence is insufficient to meet ACMG/AMP criteria for classifying the variant as benign or pathogenic. Thus, the clinical significance of this variant is currently uncertain.

CeGaT Center for Human Genetics Tuebingen
Classification: Uncertain significance. Last evaluated: 2016-05-01. Review status: criteria provided, single submitter. Criteria: CeGaT Center For Human Genetics Tuebingen Variant Classification Criteria Version 2. Collection method: clinical testing. Allele origin: germline. Affected: yes. Observed: 1 variant allele.